The following is an entry in ClinVar:

ClinVar aggregate classification (germline): Uncertain significance (1 of 4 stars; one submission).

Submission:

GeneDx
Classification: Uncertain significance. Last evaluated: 2025-01-09. Review status: criteria provided, single submitter. Criteria: GeneDx Variant Classification Process June 2021. Collection method: clinical testing. Allele origin: germline. Affected: yes.
Comment: Not observed at significant frequency in large population cohorts (gnomAD); In silico analysis indicates that this missense variant does not alter protein structure/function; Has not been previously published as pathogenic or benign to our knowledge

NM_000748.3(CHRNB2):c.1344T>G (p.Ser448Arg)

Gene: CHRNB2 (cholinergic receptor nicotinic beta 2 subunit; plus strand). Cytogenetic location: 1q21.3.
Variant type: single nucleotide variant.
Coding change: c.1344T>G on transcript NM_000748.3 (MANE Select); coding-DNA position 1344, T replaced by G.
Protein change: p.Ser448Arg; replaces serine 448 with arginine.
Molecular consequence: missense variant.
Genome position (GRCh38, 1-based): chr1:154,575,767, T>G. VCF-style: chr1-154575767-T-G. GRCh37 (hg19) VCF-style: chr1-154548243-T-G.
Other names: short protein forms S448R.
Identifiers: ClinVar variation 4057114 (VCV004057114.1).
Genomic context (GRCh38, chr1:154,575,767, plus strand): 5'-TTTGTCTCCCATCCTGCATCATGTGACCTGGGCCTCCTCCGTCTCCTCCATCCAGGTGAG[T>G]GAGGACTGGAAGTACGTCGCCATGGTGATCGACCGCCTCTTCCTCTGGATCTTTGTCTTT-3'
Protein context (NP_000739.1, residues 438-458): MRSEDDDQSV[Ser448Arg]EDWKYVAMVI